The following is an entry in ClinVar:

NM_005732.4(RAD50):c.2267A>C (p.Asn756Thr)

Gene: RAD50 (RAD50 double strand break repair protein; plus strand). Cytogenetic location: 5q31.1.
Variant type: single nucleotide variant.
Coding change: c.2267A>C on transcript NM_005732.4 (MANE Select); coding-DNA position 2267, A replaced by C.
Protein change: p.Asn756Thr; replaces asparagine 756 with threonine.
Molecular consequence: missense variant.
Genome position (GRCh38, 1-based): chr5:132,603,359, A>C. VCF-style: chr5-132603359-A-C. GRCh37 (hg19) VCF-style: chr5-131939051-A-C.
Other names: short protein forms N756T.
Identifiers: ClinVar variation 960547 (VCV000960547.13), dbSNP rs1750921503, ClinGen allele CA360954165.

ClinVar aggregate classification (germline): Uncertain significance. Review status: criteria provided, multiple submitters, no conflicts (2 of 4 stars). 2 submissions from 2 submitters: Uncertain significance (2). Last evaluated 2024-08-05.

Conditions:
Hereditary cancer-predisposing syndrome. Also called: Tumor predisposition; Hereditary neoplastic syndrome; Neoplastic Syndromes, Hereditary; Hereditary Cancer Syndrome. Identifiers: Orphanet 140162, MedGen C0027672, MeSH D009386, MONDO:0015356.

Submissions (2):

Ambry Genetics
Classification: Uncertain significance for Hereditary cancer-predisposing syndrome. Last evaluated: 2024-08-05. Review status: criteria provided, single submitter. Criteria: Ambry Variant Classification Scheme 2023. Collection method: clinical testing. Allele origin: germline.
Comment: The p.N756T variant (also known as c.2267A>C), located in coding exon 14 of the RAD50 gene, results from an A to C substitution at nucleotide position 2267. The asparagine at codon 756 is replaced by threonine, an amino acid with similar properties. This amino acid position is conserved. In addition, this alteration is predicted to be tolerated by in silico analysis. Since supporting evidence is limited at this time, the clinical significance of this alteration remains unclear.

Labcorp Genetics (formerly Invitae), Labcorp
Classification: Uncertain significance for Hereditary cancer-predisposing syndrome. Last evaluated: 2019-07-05. Review status: criteria provided, single submitter. Criteria: Invitae Variant Classification Sherloc (09022015). Collection method: clinical testing. Allele origin: germline.
Comment: This sequence change replaces asparagine with threonine at codon 756 of the RAD50 protein (p.Asn756Thr). The asparagine residue is weakly conserved and there is a small physicochemical difference between asparagine and threonine. This variant is not present in population databases (ExAC no frequency). This variant has not been reported in the literature in individuals with RAD50-related conditions. Algorithms developed to predict the effect of missense changes on protein structure and function (SIFT, PolyPhen-2, Align-GVGD) all suggest that this variant is likely to be tolerated, but these predictions have not been confirmed by published functional studies and their clinical significance is uncertain. In summary, the available evidence is currently insufficient to determine the role of this variant in disease. Therefore, it has been classified as a Variant of Uncertain Significance.